The following is an entry in ClinVar:

NM_030665.4(RAI1):c.2728T>G (p.Ser910Ala)

Gene: RAI1 (retinoic acid induced 1; plus strand). Cytogenetic location: 17p11.2.
Variant type: single nucleotide variant.
Coding change: c.2728T>G on transcript NM_030665.4 (MANE Select); coding-DNA position 2728, T replaced by G.
Protein change: p.Ser910Ala; replaces serine 910 with alanine.
Molecular consequence: missense variant.
Genome position (GRCh38, 1-based): chr17:17,795,676, T>G. VCF-style: chr17-17795676-T-G. GRCh37 (hg19) VCF-style: chr17-17698990-T-G.
Other names: short protein forms S910A.
Identifiers: ClinVar variation 586395 (VCV000586395.56), dbSNP rs745515458, ClinGen allele CA8418596.

ClinVar aggregate classification (germline): Benign/Likely benign. Review status: criteria provided, multiple submitters, no conflicts (2 of 4 stars). 6 submissions from 6 submitters: Benign (3); Likely benign (3). Last evaluated 2026-09-08.

Conditions:
RAI1-related disorder. Also called: RAI1-related condition.
Inborn genetic diseases. Identifiers: MedGen C0950123, MeSH D030342.

Allele frequency attached by ClinVar (database versions not stated): gnomAD exomes 0.00023 and 0.00052; gnomAD 0.00028 and 0.00030; TOPMed 0.00039; ExAC 0.00041.
gnomAD v4.1: 180 of 1,613,316 alleles (0.011%); highest among the groups gnomAD compares: Admixed American, 0.3%; no homozygotes.

Submissions (6):

PreventionGenetics, part of Exact Sciences
Classification: Likely benign for RAI1-related condition. Last evaluated: 2026-09-08. Review status: criteria provided, single submitter. Criteria: ACMG Guidelines, 2015. Collection method: clinical testing. Allele origin: germline.
Comment: This variant is classified as likely benign based on ACMG/AMP sequence variant interpretation guidelines (Richards et al. 2015 PMID: 25741868, with internal and published modifications).

CeGaT Center for Human Genetics Tuebingen
Classification: Likely benign. Last evaluated: 2026-04-01. Review status: criteria provided, single submitter. Criteria: CeGaT Center For Human Genetics Tuebingen Variant Classification Criteria Version 2. Collection method: clinical testing. Allele origin: germline. Affected: yes. Observed: 1 variant allele.
Comment: RAI1: BP4, BS1

Labcorp Genetics (formerly Invitae), Labcorp
Classification: Benign. Last evaluated: 2026-01-09. Review status: criteria provided, single submitter. Criteria: Invitae Variant Classification Sherloc (09022015). Collection method: clinical testing. Allele origin: germline.

GeneDx
Classification: Benign. Last evaluated: 2019-07-19. Review status: criteria provided, single submitter. Criteria: GeneDx Variant Classification Process June 2021. Collection method: clinical testing. Allele origin: germline. Affected: yes.

Ambry Genetics
Classification: Likely benign for Inborn genetic diseases. Last evaluated: 2018-07-27. Review status: criteria provided, single submitter. Criteria: Ambry Variant Classification Scheme 2023. Collection method: clinical testing. Allele origin: germline.

Athena Diagnostics
Classification: Benign. Last evaluated: 2018-04-16. Review status: criteria provided, single submitter. Criteria: Athena Diagnostics Criteria. Collection method: clinical testing. Allele origin: germline.